The following is an entry in ClinVar:

ClinVar aggregate classification (germline): Likely benign (0 of 4 stars; one submission).

Conditions:
DROSHA-related disorder. Also called: DROSHA-related condition.

gnomAD v4.1: 22 of 1,613,844 alleles (0.0014%); highest among the groups gnomAD compares: Non-Finnish European, 0.0019%; no homozygotes.

Submission:

PreventionGenetics, part of Exact Sciences
Classification: Likely benign for DROSHA-related condition. Last evaluated: 2024-05-21. Review status: no assertion criteria provided. Collection method: clinical testing. Allele origin: germline.
Comment: This variant is classified as likely benign based on ACMG/AMP sequence variant interpretation guidelines (Richards et al. 2015 PMID: 25741868, with internal and published modifications).

NM_001382508.1(DROSHA):c.1128G>A (p.Gln376=)

Gene: DROSHA (drosha ribonuclease III; minus strand). Cytogenetic location: 5p13.3.
Variant type: single nucleotide variant.
Coding change: c.1128G>A on transcript NM_001382508.1 (MANE Select); coding-DNA position 1128, G replaced by A.
Protein change: p.Gln376=; no amino-acid change (glutamine 376 retained).
Molecular consequence: synonymous variant.
Genome position (GRCh38, 1-based): chr5:31,515,150, C>T on the plus strand (G>A on the coding strand, the complement: DROSHA is on the minus strand). VCF-style: chr5-31515150-C-T. GRCh37 (hg19) VCF-style: chr5-31515257-C-T.
Other names: c.1017G>A, p.Gln339= (NM_001100412.2); c.1128G>A, p.Gln376= (NM_013235.5).
Identifiers: ClinVar variation 3357125 (VCV003357125.1).